The following is an entry in ClinVar:

ClinVar aggregate classification (germline): Benign. Review status: criteria provided, multiple submitters, no conflicts (2 of 4 stars). 2 submissions from 2 submitters: Benign (2). Last evaluated 2018-06-14.

Allele frequency attached by ClinVar (database versions not stated): 1000 Genomes Project 0.13019; 1000 Genomes Project 30x 0.13242; TOPMed 0.14219; gnomAD 0.14318 and 0.14388.
gnomAD v4.1: 21,789 of 152,186 alleles (14%); highest among the groups gnomAD compares: Middle Eastern, 16%; 1,628 homozygotes.

Submissions (2):

GeneDx
Classification: Benign. Last evaluated: 2018-06-14. Review status: criteria provided, single submitter. Criteria: GeneDx Variant Classification (06012015). Collection method: clinical testing. Allele origin: germline. Affected: yes.
Comment: This variant is considered likely benign or benign based on one or more of the following criteria: it is a conservative change, it occurs at a poorly conserved position in the protein, it is predicted to be benign by multiple in silico algorithms, and/or has population frequency not consistent with disease.

Breakthrough Genomics
Classification: Benign. Review status: criteria provided, single submitter. Criteria: ACMG Guidelines, 2015. Collection method: not provided. Allele origin: germline. Inheritance: Autosomal recessive inheritance. Affected: yes.

NM_014049.5(ACAD9):c.1693-252G>A

Genes: ACAD9 (acyl-CoA dehydrogenase family member 9; plus strand), CFAP92 (cilia and flagella associated protein 92 (putative); minus strand). Cytogenetic location: 3q21.3.
Variant type: single nucleotide variant.
Coding change: c.1693-252G>A on transcript NM_014049.5 (MANE Select); 252 bases into the intron before coding-DNA position 1693, G replaced by A.
Molecular consequence: intron variant.
Genome position (GRCh38, 1-based): chr3:128,910,489, G>A. VCF-style: chr3-128910489-G-A. GRCh37 (hg19) VCF-style: chr3-128629332-G-A.
Other names: c.1324-252G>A (NM_001410805.1); c.2312-156C>T (NM_001348521.2); c.2408-156C>T (NM_001348520.2); c.3281-156C>T (NM_001394090.1).
Identifiers: ClinVar variation 682745 (VCV000682745.3), dbSNP rs16852190, ClinGen allele CA15262164.
Genomic context (GRCh38, chr3:128,910,489, plus strand): 5'-GGAGGCGGGTGCAGTCTCTGAGGACCCACTGTATACCAGGATCTCTGCCTGCACTTTCCA[G>A]AGCACCTGCAGATACCAGGATTGTGACATCTGCCTTTCAGAGGAAACAGGGTCAGAGATG-3'